The following is an entry in ClinVar:

ClinVar aggregate classification (germline): Pathogenic (1 of 4 stars; one submission).

Conditions:
FRAXE. Also called: Fragile XE syndrome; FRAXE Syndrome; FRAXE intellectual disability; Intellectual developmental disorder, X-linked 109; Intellectual disability, X-linked, FRAXE type. Identifiers: Orphanet 100973, MedGen C0751157, MONDO:0010659, OMIM 309548. Disease mechanism: loss of function.

Submission:

Myriad Genetics, Inc.
Classification: Pathogenic for FRAXE. Last evaluated: 2024-06-12. Review status: criteria provided, single submitter. Criteria: Myriad Autosomal Dominant, Autosomal Recessive and X-Linked Classification Criteria (2023). Collection method: clinical testing. Allele origin: unknown.
Comment: NM_002025.3(AFF2):c.477G>A(W159*) is expected to be pathogenic in the context of fragile XE syndrome. This variant is predicted to lead to an abnormal or absent protein product due to the creation of a premature termination codon in AFF2, a gene where loss-of-function variants are known to be pathogenic. Please note: this variant was assessed in the context of healthy population screening.

NM_002025.4(AFF2):c.477G>A (p.Trp159Ter)

Gene: AFF2 (ALF transcription elongation factor 2; plus strand). Cytogenetic location: Xq28.
Variant type: single nucleotide variant.
Coding change: c.477G>A on transcript NM_002025.4 (MANE Select); coding-DNA position 477, G replaced by A.
Protein change: p.Trp159Ter; replaces tryptophan 159 with a stop codon.
Molecular consequence: nonsense.
Genome position (GRCh38, 1-based): chrX:148,662,204, G>A. VCF-style: chrX-148662204-G-A. GRCh37 (hg19) VCF-style: chrX-147743725-G-A.
Other names: c.465G>A, p.Trp155Ter (NM_001169122.2, NM_001169123.2, NM_001169125.2); c.477G>A, p.Trp159Ter (NM_001169124.2); short protein forms W155*, W159*.
Identifiers: ClinVar variation 5013168 (VCV005013168.1).
Genomic context (GRCh38, chrX:148,662,204, plus strand): 5'-TTCTGTTGTGATACTGAATTCAACTCTAATACACAGCAACAGAAAATCAAAACCTGAGTG[G>A]TCACGTGATAGTCATAACCCTAGCACTGTACTGGCAAGCCAGGCCAGTGGTCAGCCAAAC-3'